The following is an entry in ClinVar:

ClinVar aggregate classification (germline): Uncertain significance (1 of 4 stars; one submission).

Submission:

Labcorp Genetics (formerly Invitae), Labcorp
Classification: Uncertain significance. Last evaluated: 2022-03-09. Review status: criteria provided, single submitter. Criteria: Invitae Variant Classification Sherloc (09022015). Collection method: clinical testing. Allele origin: germline.
Comment: In summary, the available evidence is currently insufficient to determine the role of this variant in disease. Therefore, it has been classified as a Variant of Uncertain Significance. Algorithms developed to predict the effect of missense changes on protein structure and function (SIFT, PolyPhen-2, Align-GVGD) all suggest that this variant is likely to be tolerated. This variant has not been reported in the literature in individuals affected with DGUOK-related conditions. This variant is not present in population databases (gnomAD no frequency). This sequence change replaces alanine, which is neutral and non-polar, with threonine, which is neutral and polar, at codon 34 of the DGUOK protein (p.Ala34Thr).

NM_080916.3(DGUOK):c.100G>A (p.Ala34Thr)

Genes: DGUOK (deoxyguanosine kinase; plus strand), LOC129934096 (ATAC-STARR-seq lymphoblastoid active region 16036; plus strand). Cytogenetic location: 2p13.1.
Variant type: single nucleotide variant.
Coding change: c.100G>A on transcript NM_080916.3 (MANE Select); coding-DNA position 100, G replaced by A.
Protein change: p.Ala34Thr; replaces alanine 34 with threonine.
Molecular consequence: missense variant. On other transcripts: 5 prime UTR variant (4), non-coding transcript variant (6).
Genome position (GRCh38, 1-based): chr2:73,927,010, G>A. VCF-style: chr2-73927010-G-A. GRCh37 (hg19) VCF-style: chr2-74154137-G-A.
Other names: c.100G>A, p.Ala34Thr (NM_001318859.2, NM_080918.3); c.-79G>A (NM_001318860.2, NM_001318863.2); c.-165G>A (NM_001318861.2, NM_001318862.2); short protein forms A34T.
Identifiers: ClinVar variation 2107760 (VCV002107760.4), dbSNP rs2466942019, ClinGen allele CA347296740.
Genomic context (GRCh38, chr2:73,927,010, plus strand): 5'-CCCTTCAGTTCCATGGCCAAGAGCCCACTCGAGGGCGTTTCCTCCTCCAGAGGCCTGCAC[G>A]CGGGGCGCGGGCCCCGAAGGCTCTCCATCGAAGGCAACATTGGTAAGGGCCGGAAAGCGG-3'
Protein context (NP_550438.1, residues 24-44): EGVSSSRGLH[Ala34Thr]GRGPRRLSIE